The following is an entry in ClinVar:

ClinVar aggregate classification (germline): Uncertain significance (1 of 4 stars; one submission).

Conditions:
Epileptic encephalopathy. Identifiers: MedGen C0543888, HP:0200134.

Allele frequency attached by ClinVar (database versions not stated): TOPMed below 0.00001.
gnomAD v4.1: 28 of 1,609,746 alleles (0.0017%); highest among the groups gnomAD compares: Non-Finnish European, 0.0024%; no homozygotes.

Submission:

Labcorp Genetics (formerly Invitae), Labcorp
Classification: Uncertain significance for Epileptic encephalopathy. Last evaluated: 2023-04-03. Review status: criteria provided, single submitter. Criteria: Invitae Variant Classification Sherloc (09022015). Collection method: clinical testing. Allele origin: germline.
Comment: An algorithm developed to predict the effect of missense changes on protein structure and function (PolyPhen-2) suggests that this variant is likely to be disruptive. ClinVar contains an entry for this variant (Variation ID: 951323). This variant has not been reported in the literature in individuals affected with FASN-related conditions. This variant is present in population databases (no rsID available, gnomAD 0.0009%). This sequence change replaces threonine, which is neutral and polar, with serine, which is neutral and polar, at codon 245 of the FASN protein (p.Thr245Ser). In summary, the available evidence is currently insufficient to determine the role of this variant in disease. Therefore, it has been classified as a Variant of Uncertain Significance.

NM_004104.5(FASN):c.734C>G (p.Thr245Ser)

Gene: FASN (fatty acid synthase; minus strand). Cytogenetic location: 17q25.3.
Variant type: single nucleotide variant.
Coding change: c.734C>G on transcript NM_004104.5 (MANE Select); coding-DNA position 734, C replaced by G.
Protein change: p.Thr245Ser; replaces threonine 245 with serine.
Molecular consequence: missense variant.
Genome position (GRCh38, 1-based): chr17:82,092,941, G>C on the plus strand (C>G on the coding strand, the complement: FASN is on the minus strand). VCF-style: chr17-82092941-G-C. GRCh37 (hg19) VCF-style: chr17-80050817-G-C.
Other names: short protein forms T245S.
Identifiers: ClinVar variation 951323 (VCV000951323.9), dbSNP rs970223725, ClinGen allele CA295139186.
Genomic context (GRCh38, chr17:82,092,941, plus strand): 5'-CCCCGGCAGAGCCCACCTTGCTCCTTGAAGCCATCTGTATTGGTGCCGGCGTTCAGGATG[G>C]TGGCGTACACCCGCCGGGCCAGGGACTTCTTGGTCAGCAGGACGGCCACCACACCCTCCG-3'
Protein context (NP_004095.4, residues 235-255): KKSLARRVYA[Thr245Ser]ILNAGTNTDG